The following is an entry in ClinVar:

ClinVar aggregate classification (germline): Benign (0 of 4 stars; one submission).

Conditions:
XIRP2-related disorder. Also called: XIRP2-related condition.

Allele frequency attached by ClinVar (database versions not stated): ESP Exome Variant Server 0.15547; TOPMed 0.16744; 1000 Genomes Project 30x 0.19691; 1000 Genomes Project 0.19828.
gnomAD v4.1: 186,044 of 1,613,294 alleles (12%); highest among the groups gnomAD compares: African/African-American, 30%; 12,848 homozygotes.

Submission:

PreventionGenetics, part of Exact Sciences
Classification: Benign for XIRP2-related condition. Last evaluated: 2019-11-06. Review status: no assertion criteria provided. Collection method: clinical testing. Allele origin: germline.
Comment: This variant is classified as benign based on ACMG/AMP sequence variant interpretation guidelines (Richards et al. 2015 PMID: 25741868, with internal and published modifications).

NM_152381.6(XIRP2):c.*1383T>G

Gene: XIRP2 (xin actin binding repeat containing 2; plus strand). Cytogenetic location: 2q24.3.
Variant type: single nucleotide variant.
Coding change: c.*1383T>G on transcript NM_152381.6 (MANE Select); 1383 bases downstream of the stop codon, T replaced by G.
Molecular consequence: 3 prime UTR variant. On other transcripts: missense variant (3).
Genome position (GRCh38, 1-based): chr2:167,259,200, T>G. VCF-style: chr2-167259200-T-G. GRCh37 (hg19) VCF-style: chr2-168115710-T-G.
Other names: c.2654T>G, p.Val885Gly (NM_001079810.4); c.2753T>G, p.Val918Gly (NM_001199143.2); c.*1383T>G (NM_001199144.2); c.1988T>G, p.Val663Gly (NM_001199145.2); short protein forms V663G, V885G, V918G.
Identifiers: ClinVar variation 3059726 (VCV003059726.2), dbSNP rs3749006, ClinGen allele CA1948596.